The following is an entry in ClinVar:

ClinVar aggregate classification (germline): Uncertain significance (1 of 4 stars; one submission).

Conditions:
Congenital myasthenic syndrome 8. Also called: MYASTHENIC SYNDROME, CONGENITAL, DUE TO AGRIN DEFICIENCY; Myasthenic syndrome, congenital, 8, with pre- and postsynaptic defects. Identifiers: Orphanet 590, MedGen C3808739, MONDO:0014052, OMIM 615120.

Submission:

Labcorp Genetics (formerly Invitae), Labcorp
Classification: Uncertain significance for Congenital myasthenic syndrome 8. Last evaluated: 2025-09-03. Review status: criteria provided, single submitter. Criteria: Invitae Variant Classification Sherloc (09022015). Collection method: clinical testing. Allele origin: germline.
Comment: This sequence change replaces histidine, which is basic and polar, with arginine, which is basic and polar, at codon 1462 of the AGRN protein (p.His1462Arg). This variant is not present in population databases (gnomAD no frequency). This variant has not been reported in the literature in individuals affected with AGRN-related conditions. ClinVar contains an entry for this variant (Variation ID: 1463605). An algorithm developed to predict the effect of missense changes on protein structure and function (PolyPhen-2) suggests that this variant is likely to be disruptive. In summary, the available evidence is currently insufficient to determine the role of this variant in disease. Therefore, it has been classified as a Variant of Uncertain Significance.

NM_198576.4(AGRN):c.4385A>G (p.His1462Arg)

Gene: AGRN (agrin; plus strand). Cytogenetic location: 1p36.33.
Variant type: single nucleotide variant.
Coding change: c.4385A>G on transcript NM_198576.4 (MANE Select); coding-DNA position 4385, A replaced by G.
Protein change: p.His1462Arg; replaces histidine 1462 with arginine.
Molecular consequence: missense variant.
Genome position (GRCh38, 1-based): chr1:1,049,322, A>G. VCF-style: chr1-1049322-A-G. GRCh37 (hg19) VCF-style: chr1-984702-A-G.
Other names: c.4385A>G, p.His1462Arg (NM_001305275.2); c.4070A>G, p.His1357Arg (NM_001364727.2); short protein forms H1462R, H1357R.
Identifiers: ClinVar variation 1463605 (VCV001463605.8), dbSNP rs1478532829, ClinGen allele CA337777232.